The following is an entry in ClinVar:

NM_004082.5(DCTN1):c.200G>A (p.Gly67Asp)

Gene: DCTN1 (dynactin subunit 1; minus strand). Cytogenetic location: 2p13.1.
Variant type: single nucleotide variant.
Coding change: c.200G>A on transcript NM_004082.5 (MANE Select); coding-DNA position 200, G replaced by A.
Protein change: p.Gly67Asp; replaces glycine 67 with aspartic acid.
Molecular consequence: missense variant. On other transcripts: non-coding transcript variant (1).
Genome position (GRCh38, 1-based): chr2:74,378,079, C>T on the plus strand (G>A on the coding strand, the complement: DCTN1 is on the minus strand). VCF-style: chr2-74378079-C-T. GRCh37 (hg19) VCF-style: chr2-74605206-C-T.
Other names: c.200G>A, p.Gly67Asp (NM_001135040.3, NM_001190837.2); c.149G>A, p.Gly50Asp (NM_001190836.2, NM_001378991.1, NM_001378992.1); short protein forms G50D, G67D.
Identifiers: ClinVar variation 1298347 (VCV001298347.4), dbSNP rs886039228, ClinGen allele CA10588002.

ClinVar aggregate classification (germline): Conflicting classifications of pathogenicity. Review status: no assertion criteria provided (0 of 4 stars). 2 submissions from 2 submitters: Pathogenic (1); Uncertain significance (1). Last evaluated 2021-08-19.

Conditions:
Perry syndrome. Also called: PARKINSONISM WITH ALVEOLAR HYPOVENTILATION AND MENTAL DEPRESSION. Identifiers: Orphanet 178509, MedGen C1868594, MONDO:0008201, OMIM 168605.

Submissions (2):

Laboratorio de Biología Molecular, FLENI
Classification: Pathogenic for Perry syndrome. Last evaluated: 2021-08-19. Review status: no assertion criteria provided. Collection method: clinical testing, research. Allele origin: germline. Inheritance: Autosomal dominant inheritance. Affected: yes. Observed: 2 heterozygotes.
Comment: The c.200G>A variant in DCTN1 (NM_004082.4) predicts a glycine-to-aspartic acid substitution at codon 67 (p.G67D). This variant was present in two siblings of an Argentine family with Perry Disease and absent in an asymptomatic brother. There are two additional families with this variant reported in the literature (Aji et al, 2013; Chung et al, 2014). According to ACMG guidelines (Richards, 2015) this variant can be classified as "pathogenic" (supporting evidence PM1, PM2, PP1, PP3, PP4_strong, PP5). Functional studies were not performed yet.

Inherited Neuropathy Consortium Ii, University Of Miami
Classification: Uncertain significance for Perry syndrome. Last evaluated: 2016-01-06. Review status: no assertion criteria provided. Collection method: literature only. Allele origin: germline. Affected: yes.

Literature cited by the submitters: DOI 10.1016/j.parkreldis.2022.03.009 (cited by Laboratorio de Biología Molecular, FLENI); PubMed 23628468 (cited by Laboratorio de Biología Molecular, FLENI and Inherited Neuropathy Consortium Ii, University Of Miami); PubMed 24484619 (cited by Laboratorio de Biología Molecular, FLENI).